The following is an entry in ClinVar:

NM_001374736.1(DST):c.4638+6T>C

Gene: DST (dystonin; minus strand). Cytogenetic location: 6p12.1.
Variant type: single nucleotide variant.
Coding change: c.4638+6T>C on transcript NM_001374736.1 (MANE Select); 6 bases into the intron after coding-DNA position 4638, T replaced by C.
Molecular consequence: intron variant.
Genome position (GRCh38, 1-based): chr6:56,627,993, A>G on the plus strand (T>C on the coding strand, the complement: DST is on the minus strand). VCF-style: chr6-56627993-A-G. GRCh37 (hg19) VCF-style: chr6-56492791-A-G.
Other names: c.4539+6T>C (NM_001144769.5); c.4638+6T>C (NM_001374722.1); c.4665+6T>C (NM_001374734.1); c.4125+6T>C (NM_001144770.2); c.4005+6T>C (NM_001374730.1, NM_001386100.1, NM_183380.4 and 1 more transcripts); c.3027+6T>C (NM_015548.5, NM_001723.7).
Identifiers: ClinVar variation 1741310 (VCV001741310.2), dbSNP rs2536904493, ClinGen allele CA2578655546.

ClinVar aggregate classification (germline): Uncertain significance (1 of 4 stars; one submission).

Conditions:
Inborn genetic diseases. Identifiers: MedGen C0950123, MeSH D030342.

Allele frequency attached by ClinVar (database versions not stated): gnomAD exomes 0.00001.
gnomAD v4.1: 5 of 1,613,352 alleles (0.00031%); highest among the groups gnomAD compares: Non-Finnish European, 0.00042%; no homozygotes.

Submission:

Ambry Genetics
Classification: Uncertain significance for Inborn genetic diseases. Last evaluated: 2020-05-18. Review status: criteria provided, single submitter. Criteria: Ambry Variant Classification Scheme 2023. Collection method: clinical testing. Allele origin: germline.
Comment: The c.4539+6T>C intronic variant results from a T to C substitution 6 nucleotides after coding exon 32 in the DST gene. This nucleotide position is not well conserved in available vertebrate species. Using two different splice site prediction tools, this alteration is predicted by ESEfinder to weaken the efficiency of the native splice donor site, but is not predicted to have a deleterious effect on this splice donor site by BDGP; however, direct evidence is unavailable. Since supporting evidence is limited at this time, the clinical significance of this alteration remains unclear.